The following is an entry in ClinVar:

NM_015141.4(GPD1L):c.905C>T (p.Pro302Leu)

Gene: GPD1L (glycerol-3-phosphate dehydrogenase 1 like; plus strand). Cytogenetic location: 3p22.3.
Variant type: single nucleotide variant.
Coding change: c.905C>T on transcript NM_015141.4 (MANE Select); coding-DNA position 905, C replaced by T.
Protein change: p.Pro302Leu; replaces proline 302 with leucine.
Molecular consequence: missense variant.
Genome position (GRCh38, 1-based): chr3:32,159,620, C>T. VCF-style: chr3-32159620-C-T. GRCh37 (hg19) VCF-style: chr3-32201112-C-T.
Other names: short protein forms P302L.
Identifiers: ClinVar variation 519421 (VCV000519421.11), dbSNP rs1409253059, ClinGen allele CA351969848.

ClinVar aggregate classification (germline): Uncertain significance. Review status: criteria provided, multiple submitters, no conflicts (2 of 4 stars). 3 submissions from 3 submitters: Uncertain significance (3). Last evaluated 2023-12-10.

Conditions:
Cardiovascular phenotype. Identifiers: MedGen CN230736.
Brugada syndrome 2 (BRGDA2). Identifiers: Orphanet 130, MedGen C2673193, MONDO:0012728, OMIM 611777.
Brugada syndrome. Also called: Sudden unexpected nocturnal death syndrome; Sudden unexplained nocturnal death syndrome; Sudden Unexplained Death Syndrome; Sudden Unexplained Nocturnal Death Syndrome (SUNDS). Identifiers: Orphanet 130, MedGen C1142166, MONDO:0015263.

Allele frequency attached by ClinVar (database versions not stated): gnomAD 0.00001; TOPMed 0.00001.
gnomAD v4.1: 25 of 1,612,930 alleles (0.0015%); highest among the groups gnomAD compares: Non-Finnish European, 0.002%; no homozygotes.

Submissions (3):

Ambry Genetics
Classification: Uncertain significance for Cardiovascular phenotype. Last evaluated: 2023-12-10. Review status: criteria provided, single submitter. Criteria: Ambry Variant Classification Scheme 2023. Collection method: clinical testing. Allele origin: germline.
Comment: The p.P302L variant (also known as c.905C>T), located in coding exon 7 of the GPD1L gene, results from a C to T substitution at nucleotide position 905. The proline at codon 302 is replaced by leucine, an amino acid with similar properties. This amino acid position is highly conserved in available vertebrate species. In addition, this alteration is predicted to be deleterious by in silico analysis. Since supporting evidence is limited at this time, the clinical significance of this alteration remains unclear.

Labcorp Genetics (formerly Invitae), Labcorp
Classification: Uncertain significance for Brugada syndrome. Last evaluated: 2023-07-14. Review status: criteria provided, single submitter. Criteria: Invitae Variant Classification Sherloc (09022015). Collection method: clinical testing. Allele origin: germline.
Comment: In summary, the available evidence is currently insufficient to determine the role of this variant in disease. Therefore, it has been classified as a Variant of Uncertain Significance. Advanced modeling of protein sequence and biophysical properties (such as structural, functional, and spatial information, amino acid conservation, physicochemical variation, residue mobility, and thermodynamic stability) performed at Invitae indicates that this missense variant is not expected to disrupt GPD1L protein function. ClinVar contains an entry for this variant (Variation ID: 519421). This variant has not been reported in the literature in individuals affected with GPD1L-related conditions. This variant is not present in population databases (gnomAD no frequency). This sequence change replaces proline, which is neutral and non-polar, with leucine, which is neutral and non-polar, at codon 302 of the GPD1L protein (p.Pro302Leu).

Fulgent Genetics
Classification: Uncertain significance for Brugada syndrome 2. Last evaluated: 2021-08-03. Review status: criteria provided, single submitter. Criteria: ACMG Guidelines, 2015. Collection method: clinical testing. Allele origin: unknown.